The following is an entry in ClinVar:

ClinVar aggregate classification (germline): Uncertain significance (1 of 4 stars; one submission).

Allele frequency attached by ClinVar (database versions not stated): TOPMed below 0.00001; ExAC 0.00001; gnomAD exomes 0.00003.

Submission:

Labcorp Genetics (formerly Invitae), Labcorp
Classification: Uncertain significance. Last evaluated: 2022-05-27. Review status: criteria provided, single submitter. Criteria: Invitae Variant Classification Sherloc (09022015). Collection method: clinical testing. Allele origin: germline.
Comment: This variant is present in population databases (rs756649707, gnomAD 0.002%). In summary, the available evidence is currently insufficient to determine the role of this variant in disease. Therefore, it has been classified as a Variant of Uncertain Significance. Algorithms developed to predict the effect of missense changes on protein structure and function are either unavailable or do not agree on the potential impact of this missense change (SIFT: "Deleterious"; PolyPhen-2: "Benign"; Align-GVGD: "Class C0"). This missense change has been observed in individual(s) with DHX38-related conditions (Invitae). This sequence change replaces histidine, which is basic and polar, with arginine, which is basic and polar, at codon 11 of the DHX38 protein (p.His11Arg).

NM_014003.4(DHX38):c.32A>G (p.His11Arg)

Gene: DHX38 (DEAH-box helicase 38; plus strand). Cytogenetic location: 16q22.2.
Variant type: single nucleotide variant.
Coding change: c.32A>G on transcript NM_014003.4 (MANE Select); coding-DNA position 32, A replaced by G.
Protein change: p.His11Arg; replaces histidine 11 with arginine.
Molecular consequence: missense variant.
Genome position (GRCh38, 1-based): chr16:72,096,189, A>G. VCF-style: chr16-72096189-A-G. GRCh37 (hg19) VCF-style: chr16-72130088-A-G.
Other names: short protein forms H11R.
Identifiers: ClinVar variation 2187914 (VCV002187914.4), dbSNP rs756649707, ClinGen allele CA8159856.